The following is an entry in ClinVar:

NM_019032.6(ADAMTSL4):c.2559+49del

Gene: ADAMTSL4 (ADAMTS like 4; plus strand). Cytogenetic location: 1q21.2.
Variant type: Deletion.
Coding change: c.2559+49del on transcript NM_019032.6 (MANE Select); 49 bases into the intron after coding-DNA position 2559, one base deleted (C; older notation c.2559+49delC).
Molecular consequence: intron variant. On other transcripts: frameshift variant (1).
Genome position (GRCh38, 1-based): chr1:150,558,698, C deleted; the last of 3 consecutive C bases (chr1:150,558,696-150,558,698); deleting any one gives the same sequence. VCF-style (leftmost placement, unchanged base first): chr1-150558695-GC-G. GRCh37 (hg19) VCF-style: chr1-150531171-GC-G.
Other names: c.2608delC (NM_025008.4); c.2608del, p.Gln870fs (NM_025008.5); c.2628+49del (NM_001288608.2); c.2442+49del (NM_001288607.2); c.2559+49del (NM_001378596.1); short protein forms Q870fs.
Identifiers: ClinVar variation 1301756 (VCV001301756.3), dbSNP rs587665789, ClinGen allele CA1078734.

ClinVar aggregate classification (germline): Likely benign. Review status: criteria provided, multiple submitters, no conflicts (2 of 4 stars). 2 submissions from 2 submitters: Likely benign (2). Last evaluated 2025-07-16.

Conditions:
Ectopia lentis et pupillae. Also called: ECTOPIA LENTIS WITH ECTOPIA OF PUPIL. Identifiers: Orphanet 1885, MedGen C1644196, MONDO:0009153, OMIM 225200.
ADAMTSL4-related disorder. Also called: ADAMTSL4-Related Disorders; ADAMTSL4-related condition.

Submissions (2):

PreventionGenetics, part of Exact Sciences
Classification: Likely benign for ADAMTSL4-related condition. Last evaluated: 2025-07-16. Review status: criteria provided, single submitter. Criteria: ACMG Guidelines, 2015. Collection method: clinical testing. Allele origin: germline.
Comment: This variant is classified as likely benign based on ACMG/AMP sequence variant interpretation guidelines (Richards et al. 2015 PMID: 25741868, with internal and published modifications).

Dubai Health Genomic Medicine Center, Dubai Health
Classification: Likely benign for Ectopia lentis et pupillae. Last evaluated: 2020-11-16. Review status: criteria provided, single submitter. Criteria: ACMG Guidelines, 2015. Collection method: clinical testing. Allele origin: germline. Affected: yes.